The following is an entry in ClinVar:

ClinVar aggregate classification (germline): Uncertain significance (1 of 4 stars; one submission).

Conditions:
Arrhythmogenic cardiomyopathy with wooly hair and keratoderma. Also called: PALMOPLANTAR KERATODERMA WITH LEFT VENTRICULAR CARDIOMYOPATHY AND WOOLLY HAIR; Carvajal syndrome; Dilated cardiomyopathy with woolly hair and keratoderma; Arrhythmogenic cardiomyopathy with woolly hair and keratoderma. Identifiers: Orphanet 65282, MedGen C1854063, MONDO:0011581, OMIM 605676.

Submission:

All of Us Research Program, National Institutes of Health
Classification: Uncertain significance for Arrhythmogenic cardiomyopathy with wooly hair and keratoderma. Last evaluated: 2023-12-18. Review status: criteria provided, single submitter. Criteria: ACMG Guidelines, 2015. Collection method: clinical testing. Allele origin: germline. Inheritance: Autosomal dominant inheritance. Observed: 1 variant allele, 1 heterozygote.
Comment: This missense variant replaces threonine with asparagine at codon 1388 of the DSP protein. Computational prediction suggests that this variant may not impact protein structure and function (internally defined REVEL score threshold <= 0.5, PMID: 27666373). To our knowledge, functional studies have not been reported for this variant. This variant has not been reported in individuals affected with DSP-related disorders in the literature. This variant has not been identified in the general population by the Genome Aggregation Database (gnomAD). The available evidence is insufficient to determine the role of this variant in disease conclusively. Therefore, this variant is classified as a Variant of Uncertain Significance.

This study involves interpretation of variants in research participants for the purpose of population health screening. Participant phenotype was not available at the time of variant classification. Additional details can be found in publication PMID: 35346344, PMCID: PMC8962531

NM_004415.4(DSP):c.4163C>A (p.Thr1388Asn)

Gene: DSP (desmoplakin; plus strand). Cytogenetic location: 6p24.3.
Variant type: single nucleotide variant.
Coding change: c.4163C>A on transcript NM_004415.4 (MANE Select); coding-DNA position 4163, C replaced by A.
Protein change: p.Thr1388Asn; replaces threonine 1388 with asparagine.
Molecular consequence: missense variant. On other transcripts: intron variant (2).
Genome position (GRCh38, 1-based): chr6:7,580,353, C>A. VCF-style: chr6-7580353-C-A. GRCh37 (hg19) VCF-style: chr6-7580586-C-A.
Other names: c.4050+113C>A (NM_001319034.2); c.3582+581C>A (NM_001008844.3); short protein forms T1388N.
Identifiers: ClinVar variation 3075111 (VCV003075111.1), dbSNP rs2533927636, ClinGen allele CA362685701.